The following is an entry in ClinVar:

NM_001438.4(ESRRG):c.410G>A (p.Gly137Glu)

Gene: ESRRG (estrogen related receptor gamma; minus strand). Cytogenetic location: 1q41.
Variant type: single nucleotide variant.
Coding change: c.410G>A on transcript NM_001438.4 (MANE Select); coding-DNA position 410, G replaced by A.
Protein change: p.Gly137Glu; replaces glycine 137 with glutamic acid.
Molecular consequence: missense variant. On other transcripts: intron variant (2).
Genome position (GRCh38, 1-based): chr1:216,677,138, C>T on the plus strand (G>A on the coding strand, the complement: ESRRG is on the minus strand). VCF-style: chr1-216677138-C-T. GRCh37 (hg19) VCF-style: chr1-216850480-C-T.
Other names: c.341G>A, p.Gly114Glu (NM_001134285.3, NM_001243507.2, NM_001243509.2 and 13 more transcripts); c.425G>A, p.Gly142Glu (NM_001243518.2); c.-164-109040G>A (NM_001243505.2); c.-83-26049G>A (NM_001243506.2); c.341G>A (NM_001243509.1); short protein forms G114E, G137E, G142E.
Identifiers: ClinVar variation 4530563 (VCV004530563.3).

ClinVar aggregate classification (germline): Conflicting classifications of pathogenicity. Review status: criteria provided, conflicting classifications (1 of 4 stars). 3 submissions from 3 submitters: Likely pathogenic (1); Uncertain significance (1). 1 of the submissions does not count toward it. Last evaluated 2025-11-14.

Conditions:
MOVEMENT DISORDER, CONGENITAL NONPROGRESSIVE, WITH ATAXIA AND EYE MOVEMENT ABNORMALITIES (CONMAE). Identifiers: MedGen CN382199, OMIM 621639.
Movement disorder. Also called: Movement disorders; Abnormality of movement. Identifiers: MedGen C0026650, MONDO:0005395, HP:0100022.

Submissions (3):

Institute of Human Genetics, University of Leipzig Medical Center
Classification: Likely pathogenic for Movement disorder. Last evaluated: 2025-11-14. Review status: criteria provided, single submitter. Criteria: ACMG Guidelines, 2015. Collection method: clinical testing. Allele origin: de novo. Inheritance: Autosomal dominant inheritance. Affected: yes. Observed: 1 variant allele.
Comment: Criteria applied: PS2_MOD, PS3_SUP, PM1_SUP, PM2, PP2, PP3

GeneDx
Classification: Uncertain significance. Last evaluated: 2024-03-20. Review status: criteria provided, single submitter. Criteria: GeneDx Variant Classification Process June 2021. Collection method: clinical testing. Allele origin: germline. Affected: yes.
Comment: Not observed at significant frequency in large population cohorts (gnomAD); In silico analysis supports that this missense variant has a deleterious effect on protein structure/function; Has not been previously published as pathogenic or benign to our knowledge; Variants in candidate genes are classified as variants of uncertain significance in accordance with ACMG guidelines (PMID: 25741868)

OMIM
Classification: Pathogenic for MOVEMENT DISORDER, CONGENITAL NONPROGRESSIVE, WITH ATAXIA AND EYE MOVEMENT ABNORMALITIES. Last evaluated: 2026-07-23. Review status: no assertion criteria provided. Collection method: literature only. Allele origin: germline. Not counted in ClinVar's aggregate classification.

Literature cited by the submitters: DOI 10.1016/j.ajhg.2025.10.015 (cited by Institute of Human Genetics, University of Leipzig Medical Center); PubMed 41265451 (cited by OMIM).